The following is an entry in ClinVar:

ClinVar aggregate classification (germline): Pathogenic/Likely pathogenic. Review status: criteria provided, multiple submitters, no conflicts (2 of 4 stars). 4 submissions from 4 submitters: Pathogenic (3); Likely pathogenic (1). Last evaluated 2025-09-26.

Conditions:
Megaconial type congenital muscular dystrophy (MDCMC). Also called: CHKB-Related Muscle Diseases; CHKB-Related Muscular Dystrophy; MUSCULAR DYSTROPHY, CONGENITAL, WITH MITOCHONDRIAL STRUCTURAL ABNORMALITIES. Identifiers: Orphanet 280671, MedGen C1865233, MONDO:0011246, OMIM 602541.

Allele frequency attached by ClinVar (database versions not stated): gnomAD exomes below 0.00001 and 0.00001; ExAC 0.00002; gnomAD 0.00005 and 0.00006; TOPMed 0.00007; ESP Exome Variant Server 0.00008.

Submissions (4):

Labcorp Genetics (formerly Invitae), Labcorp
Classification: Pathogenic for Megaconial type congenital muscular dystrophy. Last evaluated: 2025-09-26. Review status: criteria provided, single submitter. Criteria: Invitae Variant Classification Sherloc (09022015). Collection method: clinical testing. Allele origin: germline.
Comment: This sequence change creates a premature translational stop signal (p.Gln51*) in the CHKB gene. It is expected to result in an absent or disrupted protein product. Loss-of-function variants in CHKB are known to be pathogenic (PMID: 21665002). This variant is present in population databases (rs373091820, gnomAD 0.02%). This premature translational stop signal has been observed in individual(s) with clinical features of CHKB-related conditions (PMID: 25326637). ClinVar contains an entry for this variant (Variation ID: 451378). For these reasons, this variant has been classified as Pathogenic.

Baylor Genetics
Classification: Pathogenic for Megaconial type congenital muscular dystrophy. Last evaluated: 2021-01-20. Review status: criteria provided, single submitter. Criteria: ACMG Guidelines, 2015. Collection method: clinical testing. Allele origin: unknown.

Undiagnosed Diseases Network, NIH
Classification: Pathogenic for Megaconial type congenital muscular dystrophy. Last evaluated: 2018-03-06. Review status: criteria provided, single submitter. Criteria: ACMG Guidelines, 2015. Collection method: clinical testing. Allele origin: maternal. Inheritance: Autosomal recessive inheritance. Affected: yes. Observed: 1 variant allele, 1 compound heterozygote. Study: Undiagnosed Diseases Network (NIH), UDN.

GeneDx
Classification: Likely pathogenic. Last evaluated: 2017-09-01. Review status: criteria provided, single submitter. Criteria: GeneDx Variant Classification (06012015). Collection method: clinical testing. Allele origin: germline. Affected: yes.
Comment: The Q51X nonsense variant in the CHKB gene is predicted to cause loss of normal protein function either through protein truncation or nonsense-mediated mRNA decay. The Q51X variant is not observed at a significant frequency in large population cohorts (Lek et al., 2016; 1000 Genomes Consortium et al., 2015; Exome Variant Server). Although this variant has not been reported previously to our knowledge, it is expected to be a likely pathogenic variant.

Literature cited by the submitters: PubMed 21665002 (cited by Labcorp Genetics (formerly Invitae), Labcorp); PubMed 25326637 (cited by Labcorp Genetics (formerly Invitae), Labcorp).

NM_005198.5(CHKB):c.151C>T (p.Gln51Ter)

Genes: CHKB (choline kinase beta; minus strand), CHKB-CPT1B (CHKB-CPT1B readthrough (NMD candidate); minus strand). Cytogenetic location: 22q13.33.
Variant type: single nucleotide variant.
Coding change: c.151C>T on transcript NM_005198.5 (MANE Select); coding-DNA position 151, C replaced by T.
Protein change: p.Gln51Ter; replaces glutamine 51 with a stop codon.
Molecular consequence: nonsense. On other transcripts: non-coding transcript variant (1).
Genome position (GRCh38, 1-based): chr22:50,582,631, G>A on the plus strand (C>T on the coding strand, the complement: CHKB is on the minus strand). VCF-style: chr22-50582631-G-A. GRCh37 (hg19) VCF-style: chr22-51021060-G-A.
Other names: short protein forms Q51*.
Identifiers: ClinVar variation 451378 (VCV000451378.9), dbSNP rs373091820, ClinGen allele CA10323899.